The following is an entry in ClinVar:

NM_001303052.2(MYT1L):c.16G>T (p.Glu6Ter)

Gene: MYT1L (myelin transcription factor 1 like; minus strand). Cytogenetic location: 2p25.3.
Variant type: single nucleotide variant.
Coding change: c.16G>T on transcript NM_001303052.2 (MANE Select); coding-DNA position 16, G replaced by T.
Protein change: p.Glu6Ter; replaces glutamic acid 6 with a stop codon.
Molecular consequence: nonsense.
Genome position (GRCh38, 1-based): chr2:1,979,762, C>A on the plus strand (G>T on the coding strand, the complement: MYT1L is on the minus strand). VCF-style: chr2-1979762-C-A. GRCh37 (hg19) VCF-style: chr2-1983534-C-A.
Other names: c.16G>T, p.Glu6Ter (NM_001329844.2, NM_001329845.1, NM_001329846.3 and 6 more transcripts); short protein forms E6*.
Identifiers: ClinVar variation 4886430 (VCV004886430.2).
Genomic context (GRCh38, chr2:1,979,762, plus strand): 5'-TGCAGGGAAGCGCGGACATACCTCGAACCCCTTTGGACCGCGTGCGATGCCGCTTCTCCT[C>A]GGTGTCCACCTCCATCTGGGGATAGATTAGCAGCCATCAATGTGCTTATCCTGCCTGTGC-3'

ClinVar aggregate classification (germline): Likely pathogenic (1 of 4 stars; one submission).

Submission:

Dasa
Classification: Likely pathogenic. Last evaluated: 2025-01-14. Review status: criteria provided, single submitter. Criteria: DASA Assertion Criteria. Collection method: clinical testing. Allele origin: germline.
Comment: NM_001303052.2(MYT1L):c.16G>T (p.Glu6*) is a nonsense variant in MYT1L predicted to introduce a premature termination codon and is predicted to result in an absent or altered protein product. Loss of function is an established disease mechanism for MYT1L (PMID: 27824329; PMID: 23033978; PMID: 25232846). Also, this variant is absent from population databases. Based on the currently available evidence, this variant is classified as likely pathogenic.

Literature cited by the submitters: PubMed 27824329; PubMed 23033978; PubMed 25232846.